The following is an entry in ClinVar:

ClinVar aggregate classification (germline): Likely pathogenic. Review status: criteria provided, single submitter (1 of 4 stars). 2 submissions from 2 submitters: Likely pathogenic (1). 1 of the submissions does not count toward it.

Conditions:
Duchenne muscular dystrophy (DMD). Also called: Duchenne Muscular Dystrophy (DMD); MUSCULAR DYSTROPHY, PSEUDOHYPERTROPHIC PROGRESSIVE, DUCHENNE TYPE. Identifiers: Orphanet 98896, MedGen C0013264, MONDO:0010679, OMIM 310200.

Submissions (2):

Neuberg Centre For Genomic Medicine, NCGM
Classification: Likely pathogenic for Duchenne muscular dystrophy. Review status: criteria provided, single submitter. Criteria: ACMG Guidelines, 2015. Collection method: clinical testing. Allele origin: germline. Inheritance: X-linked inheritance. Affected: yes.
Comment: The stop gained (c.4053G>A) variant has not been reported previously as a pathogenic variant nor as a benign variant, to our knowledge. The c.4053G>A variant is novel (not in any individuals) in gnomAD Exomes and 1000 Genomes. The nucleotide change c.4053G>A in DMD is predicted as conserved by GERP++ and PhyloP across 100 vertebrates. This variant is predicted to cause loss of normal protein function through protein truncation. Loss of function variants have been previously reported to be disease causing. For these reasons, this variant has been classified as Likely Pathogenic.

Department of Reproductive Genetics, International Peace Maternity and Child Health Hospital, Shanghai Jiao Tong University School of Medicine
Classification: Pathogenic for Duchenne muscular dystrophy. Last evaluated: 2025-05-01. Review status: no assertion criteria provided. Collection method: clinical testing. Allele origin: inherited. Affected: yes. Not counted in ClinVar's aggregate classification.
Comment: The NM_004006.3(DMD):c.4053G>A(p.Trp1351*) variant is a nonsense change that introduces a premature stop codon at position 1351, predicted to result in a truncated or absent dystrophin protein. This variant is absent from control populations in the gnomAD database. The patient exhibits a clinical phenotype highly specific to Duchenne muscular dystrophy (DMD)

NM_004006.3(DMD):c.4053G>A (p.Trp1351Ter)

Gene: DMD (dystrophin; minus strand). Cytogenetic location: Xp21.1.
Variant type: single nucleotide variant.
Coding change: c.4053G>A on transcript NM_004006.3 (MANE Select); coding-DNA position 4053, G replaced by A.
Protein change: p.Trp1351Ter; replaces tryptophan 1351 with a stop codon.
Molecular consequence: nonsense.
Genome position (GRCh38, 1-based): chrX:32,438,259, C>T on the plus strand (G>A on the coding strand, the complement: DMD is on the minus strand). VCF-style: chrX-32438259-C-T. GRCh37 (hg19) VCF-style: chrX-32456376-C-T.
Other names: c.4029G>A, p.Trp1343Ter (NM_000109.4); c.4041G>A, p.Trp1347Ter (NM_004009.3); c.3684G>A, p.Trp1228Ter (NM_004010.3); short protein forms W1343*, W1228*, W1347*, W1351*.
Identifiers: ClinVar variation 2584997 (VCV002584997.2), dbSNP rs1454477626, ClinGen allele CA412669238.
Genomic context (GRCh38, chrX:32,438,259, plus strand): 5'-AATGCAAATTAGATTAAAGAGATTTTTCACTTATCTTCATACCTCTTCATGTAGTTCCCT[C>T]CAACGAGAATTAAATGTCTCAAGTTCCTCATTGATTAGCTCATCCATGACTCCGCCATCT-3'